The following is an entry in ClinVar:

NM_000455.5(STK11):c.841C>A (p.Pro281Thr)

Gene: STK11 (serine/threonine kinase 11; plus strand). Cytogenetic location: 19p13.3.
Variant type: single nucleotide variant.
Coding change: c.841C>A on transcript NM_000455.5 (MANE Select); coding-DNA position 841, C replaced by A.
Protein change: p.Pro281Thr; replaces proline 281 with threonine.
Molecular consequence: missense variant.
Genome position (GRCh38, 1-based): chr19:1,221,319, C>A. VCF-style: chr19-1221319-C-A. GRCh37 (hg19) VCF-style: chr19-1221318-C-A.
Other names: short protein forms P281T.
Identifiers: ClinVar variation 142891 (VCV000142891.47), dbSNP rs377208033, ClinGen allele CA023300.

ClinVar aggregate classification (germline): Conflicting classifications of pathogenicity. Review status: criteria provided, conflicting classifications (1 of 4 stars). 11 submissions from 11 submitters: Uncertain significance (7); Benign (1); Likely benign (3). Last evaluated 2026-01-13.

Conditions:
Hereditary cancer-predisposing syndrome. Also called: Tumor predisposition; Hereditary neoplastic syndrome; Hereditary Cancer Syndrome; Neoplastic Syndromes, Hereditary. Identifiers: Orphanet 140162, MedGen C0027672, MeSH D009386, MONDO:0015356.
Peutz-Jeghers syndrome (PJS). Also called: Peutz-Jeghers polyposis; Periorificial lentiginosis syndrome; POLYPOSIS, HAMARTOMATOUS INTESTINAL; POLYPS-AND-SPOTS SYNDROME. Identifiers: Orphanet 2869, MedGen C0031269, MeSH D010580, MONDO:0008280, OMIM 175200.

Allele frequency attached by ClinVar (database versions not stated): gnomAD 0.00001; TOPMed 0.00002; gnomAD exomes 0.00005; ExAC 0.00007; ESP Exome Variant Server 0.00008.
gnomAD v4.1: 27 of 1,609,634 alleles (0.0017%); highest among the groups gnomAD compares: Non-Finnish European, 0.0011%; no homozygotes.

Submissions (11):

Labcorp Genetics (formerly Invitae), Labcorp
Classification: Benign for Peutz-Jeghers syndrome. Last evaluated: 2026-01-13. Review status: criteria provided, single submitter. Criteria: Invitae Variant Classification Sherloc (09022015). Collection method: clinical testing. Allele origin: germline.

Molecular Pathology, Peter Maccallum Cancer Centre
Classification: Uncertain significance for Peutz-Jeghers syndrome. Last evaluated: 2025-03-13. Review status: criteria provided, single submitter. Criteria: ACMG Guidelines, 2015. Collection method: clinical testing. Allele origin: germline. Inheritance: Autosomal dominant inheritance.

CeGaT Center for Human Genetics Tuebingen
Classification: Uncertain significance. Last evaluated: 2024-12-01. Review status: criteria provided, single submitter. Criteria: CeGaT Center For Human Genetics Tuebingen Variant Classification Criteria Version 2. Collection method: clinical testing. Allele origin: germline. Affected: yes. Observed: 1 variant allele.

All of Us Research Program, National Institutes of Health
Classification: Likely benign for Peutz-Jeghers syndrome. Last evaluated: 2023-08-08. Review status: criteria provided, single submitter. Criteria: ACMG Guidelines, 2015. Collection method: clinical testing. Allele origin: germline. Inheritance: Autosomal dominant inheritance. Observed: 3 variant alleles, 3 heterozygotes.
Comment: This study involves interpretation of variants in research participants for the purpose of population health screening. Participant phenotype was not available at the time of variant classification. Additional details can be found in publication PMID: 35346344, PMCID: PMC8962531

GeneDx
Classification: Uncertain significance. Last evaluated: 2022-10-12. Review status: criteria provided, single submitter. Criteria: GeneDx Variant Classification Process June 2021. Collection method: clinical testing. Allele origin: germline. Affected: yes.
Comment: In silico analysis supports that this missense variant does not alter protein structure/function; Observed in individuals with a personal and/or family history of colorectal cancer in published literature (Yurgelun et al., 2017; Dominguez-Valentin et al., 2018); This variant is associated with the following publications: (PMID: 28135145, 29458332, 15863673, 33845213)

Ambry Genetics
Classification: Likely benign for Hereditary cancer-predisposing syndrome. Last evaluated: 2022-09-09. Review status: criteria provided, single submitter. Criteria: Ambry Variant Classification Scheme 2023. Collection method: clinical testing. Allele origin: germline.

Color Diagnostics, LLC DBA Color Health
Classification: Likely benign for Hereditary cancer-predisposing syndrome. Last evaluated: 2022-08-22. Review status: criteria provided, single submitter. Criteria: ACMG Guidelines, 2015. Collection method: clinical testing. Allele origin: germline.

MGZ Medical Genetics Center
Classification: Uncertain significance for Peutz-Jeghers syndrome. Last evaluated: 2022-04-11. Review status: criteria provided, single submitter. Criteria: ACMG Guidelines, 2015. Collection method: clinical testing. Allele origin: germline. Affected: yes. Observed: 2 variant alleles.
Comment: ACMG criteria applied: PM2_SUP, BP4

Sema4
Classification: Uncertain significance for Hereditary cancer-predisposing syndrome. Last evaluated: 2022-02-02. Review status: criteria provided, single submitter. Criteria: Sema4 Curation Guidelines. Collection method: curation. Allele origin: germline.
Comment: The STK11 c.841C>A (p.P281T) variant has been reported in heterozygosity in at least two individuals with colorectal cancer (PMID: 28135145, 29458332). This variant was observed in 13/272920 chromosomes across all populations in the large and broad cohorts in the Genome Aggregation Database (PMID: 32461654). This variant has been reported in ClinVar (Variation ID: 142891). In silico tools suggest the impact of the variant on protein function is benign, though these predictions have not been confirmed by functional studies. The evidence is insufficient to meet ACMG/AMP criteria for classifying the variant as benign or pathogenic. Thus, the clinical significance of this variant is currently uncertain.

Institute for Clinical Genetics, University Hospital TU Dresden, University Hospital TU Dresden
Classification: Uncertain significance. Last evaluated: 2021-11-03. Review status: criteria provided, single submitter. Criteria: ACMG Guidelines, 2015. Collection method: clinical testing. Allele origin: germline.

Genome-Nilou Lab
Classification: Uncertain significance for Peutz-Jeghers syndrome. Last evaluated: 2021-07-15. Review status: criteria provided, single submitter. Criteria: ACMG Guidelines, 2015. Collection method: clinical testing. Allele origin: germline. Affected: no.

Literature cited by the submitters: PubMed 28135145 (cited by Ambry Genetics and Sema4); PubMed 28726808 (cited by Ambry Genetics); PubMed 29458332 (cited by Ambry Genetics and Sema4).